The following is an entry in ClinVar:

ClinVar aggregate classification (germline): Uncertain significance (1 of 4 stars; one submission).

Conditions:
T-cell immunodeficiency, congenital alopecia, and nail dystrophy. Also called: Congenital alopecia and nail dystrophy associated with severe functional T-cell immunodeficiency; Pignata Guarino syndrome. Identifiers: Orphanet 169095, MedGen C1866426, MONDO:0011132, OMIM 601705.

Allele frequency attached by ClinVar (database versions not stated): gnomAD exomes below 0.00001 and 0.00001; ExAC 0.00001.
gnomAD v4.1: 5 of 1,612,798 alleles (0.00031%); highest among the groups gnomAD compares: Non-Finnish European, 0.00042%; no homozygotes.

Submission:

Labcorp Genetics (formerly Invitae), Labcorp
Classification: Uncertain significance for T-cell immunodeficiency, congenital alopecia and nail dystrophy. Last evaluated: 2018-02-16. Review status: criteria provided, single submitter. Criteria: Invitae Variant Classification Sherloc (09022015). Collection method: clinical testing. Allele origin: germline.
Comment: This sequence change replaces proline with serine at codon 204 of the FOXN1 protein (p.Pro204Ser). The proline residue is moderately conserved and there is a moderate physicochemical difference between proline and serine. This variant is present in population databases (rs746471609, ExAC 0.01%). This variant has not been reported in the literature in individuals with FOXN1-related disease. Algorithms developed to predict the effect of missense changes on protein structure and function (SIFT, PolyPhen-2, Align-GVGD) all suggest that this variant is likely to be tolerated, but these predictions have not been confirmed by published functional studies and their clinical significance is uncertain. In summary, the available evidence is currently insufficient to determine the role of this variant in disease. Therefore, it has been classified as a Variant of Uncertain Significance.

NM_001369369.1(FOXN1):c.610C>T (p.Pro204Ser)

Gene: FOXN1 (forkhead box N1; plus strand). Cytogenetic location: 17q11.2.
Variant type: single nucleotide variant.
Coding change: c.610C>T on transcript NM_001369369.1 (MANE Select); coding-DNA position 610, C replaced by T.
Protein change: p.Pro204Ser; replaces proline 204 with serine.
Molecular consequence: missense variant.
Genome position (GRCh38, 1-based): chr17:28,527,272, C>T. VCF-style: chr17-28527272-C-T. GRCh37 (hg19) VCF-style: chr17-26854290-C-T.
Other names: c.610C>T, p.Pro204Ser (NM_003593.3); short protein forms P204S.
Identifiers: ClinVar variation 571335 (VCV000571335.1), dbSNP rs746471609, ClinGen allele CA8459283.